The following is an entry in ClinVar:

ClinVar aggregate classification (germline): Uncertain significance (1 of 4 stars; one submission).

Conditions:
Tietz syndrome (TADS). Also called: HYPOPIGMENTATION/DEAFNESS OF TIETZ; TIETZ ALBINISM-DEAFNESS SYNDROME; ALBINISM-DEAFNESS OF TIETZ. Identifiers: Orphanet 42665, MedGen C0391816, MONDO:0007077, OMIM 103500.
Waardenburg syndrome type 2A (WS2A). Also called: WAARDENBURG SYNDROME WITHOUT DYSTOPIA CANTHORUM. Identifiers: Orphanet 3440, MedGen C1860339, MONDO:0008671, OMIM 193510.
Melanoma, cutaneous malignant, susceptibility to, 8. Also called: MELANOMA AND RENAL CELL CARCINOMA, SUSCEPTIBILITY TO; Cutaneous malignant melanoma 8. Identifiers: Orphanet 293822, MedGen C3152204, MONDO:0013759, OMIM 614456.

Submission:

Labcorp Genetics (formerly Invitae), Labcorp
Classification: Uncertain significance for Melanoma, cutaneous malignant, susceptibility to, 8; Waardenburg syndrome type 2A; Tietz syndrome. Last evaluated: 2024-09-19. Review status: criteria provided, single submitter. Criteria: Invitae Variant Classification Sherloc (09022015). Collection method: clinical testing. Allele origin: germline.
Comment: This sequence change replaces histidine, which is basic and polar, with tyrosine, which is neutral and polar, at codon 295 of the MITF protein (p.His295Tyr). This variant is not present in population databases (gnomAD no frequency). This variant has not been reported in the literature in individuals affected with MITF-related conditions. Invitae Evidence Modeling of protein sequence and biophysical properties (such as structural, functional, and spatial information, amino acid conservation, physicochemical variation, residue mobility, and thermodynamic stability) indicates that this missense variant is expected to disrupt MITF protein function with a positive predictive value of 80%. In summary, the available evidence is currently insufficient to determine the role of this variant in disease. Therefore, it has been classified as a Variant of Uncertain Significance.

NM_001354604.2(MITF):c.1204C>T (p.His402Tyr)

Gene: MITF (melanocyte inducing transcription factor; plus strand). Cytogenetic location: 3p13.
Variant type: single nucleotide variant.
Coding change: c.1204C>T on transcript NM_001354604.2 (MANE Select); coding-DNA position 1204, C replaced by T.
Protein change: p.His402Tyr; replaces histidine 402 with tyrosine.
Molecular consequence: missense variant.
Genome position (GRCh38, 1-based): chr3:69,964,871, C>T. VCF-style: chr3-69964871-C-T. GRCh37 (hg19) VCF-style: chr3-70014022-C-T.
Other names: c.883C>T, p.His295Tyr (NM_000248.4); c.1030C>T, p.His344Tyr (NM_001184967.2, NM_001354608.2); c.1201C>T, p.His401Tyr (NM_001354605.2); c.1183C>T, p.His395Tyr (NM_001354606.2, NM_006722.3); c.1135C>T, p.His379Tyr (NM_001354607.2); c.865C>T, p.His289Tyr (NM_198158.3); c.1186C>T, p.His396Tyr (NM_198159.3); c.1138C>T, p.His380Tyr (NM_198177.3); and 1 more; short protein forms H233Y, H289Y, H295Y, H344Y, H379Y, H380Y, H395Y, H396Y.
Identifiers: ClinVar variation 3751678 (VCV003751678.2).
Genomic context (GRCh38, chr3:69,964,871, plus strand): 5'-GCCTATTTCAGTGTTTTATCTTTACTCTTATTATAGGAACTTGAAATGCAGGCTCGAGCT[C>T]ATGGACTTTCCCTTATTCCATCCACGGGTCTCTGCTCTCCAGATTTGGTGAATCGGATCA-3'
Protein context (NP_001341533.1, residues 392-412): IQELEMQARA[His402Tyr]GLSLIPSTGL